The following is an entry in ClinVar:

ClinVar aggregate classification (germline): Uncertain significance (1 of 4 stars; one submission).

Conditions:
Welander distal myopathy (WDM). Also called: MUSCULAR DYSTROPHY, DISTAL, LATE-ONSET, AUTOSOMAL DOMINANT; Welander distal myopathy, Swedish type; Distal myopathy, Swedish type; Gower's muscular dystrophy. Identifiers: Orphanet 603, MedGen C0221054, MONDO:0011466, OMIM 604454.

gnomAD v4.1: 1 of 1,614,026 alleles (0.000062%); highest among the groups gnomAD compares: Non-Finnish European, 0.000085%; no homozygotes.

Submission:

Labcorp Genetics (formerly Invitae), Labcorp
Classification: Uncertain significance for Welander distal myopathy. Last evaluated: 2020-01-24. Review status: criteria provided, single submitter. Criteria: Invitae Variant Classification Sherloc (09022015). Collection method: clinical testing. Allele origin: germline.
Comment: In summary, the available evidence is currently insufficient to determine the role of this variant in disease. Therefore, it has been classified as a Variant of Uncertain Significance. Algorithms developed to predict the effect of missense changes on protein structure and function (SIFT, PolyPhen-2, Align-GVGD) all suggest that this variant is likely to be tolerated, but these predictions have not been confirmed by published functional studies and their clinical significance is uncertain. This variant has not been reported in the literature in individuals with TIA1-related conditions. This variant is not present in population databases (ExAC no frequency). This sequence change replaces alanine with serine at codon 188 of the TIA1 protein (p.Ala188Ser). The alanine residue is highly conserved and there is a moderate physicochemical difference between alanine and serine.

NM_022173.4(TIA1):c.562G>T (p.Ala188Ser)

Gene: TIA1 (TIA1 cytotoxic granule associated RNA binding protein; minus strand). Cytogenetic location: 2p13.3.
Variant type: single nucleotide variant.
Coding change: c.562G>T on transcript NM_022173.4 (MANE Select); coding-DNA position 562, G replaced by T.
Protein change: p.Ala188Ser; replaces alanine 188 with serine.
Molecular consequence: missense variant. On other transcripts: non-coding transcript variant (17).
Genome position (GRCh38, 1-based): chr2:70,216,907, C>A on the plus strand (G>T on the coding strand, the complement: TIA1 is on the minus strand). VCF-style: chr2-70216907-C-A. GRCh37 (hg19) VCF-style: chr2-70444039-C-A.
Other names: c.562G>T, p.Ala188Ser (NM_001351508.2, NM_001351516.2, NM_001351518.2); c.535G>T, p.Ala179Ser (NM_001351509.2); c.529G>T, p.Ala177Ser (NM_001351510.2, NM_022037.4); c.451G>T, p.Ala151Ser (NM_001351511.1); c.424G>T, p.Ala142Ser (NM_001351512.1); c.418G>T, p.Ala140Ser (NM_001351513.1); c.334G>T, p.Ala112Ser (NM_001351514.2); c.259G>T, p.Ala87Ser (NM_001351515.2); and 1 more; short protein forms A151S, A112S, A140S, A177S, A188S, A142S, A179S, A48S.
Identifiers: ClinVar variation 1036305 (VCV001036305.9), dbSNP rs756853891, ClinGen allele CA347152839.